The following is an entry in ClinVar:

NM_003560.4(PLA2G6):c.415C>T (p.Arg139Cys)

Gene: PLA2G6 (phospholipase A2 group VI; minus strand). Cytogenetic location: 22q13.1.
Variant type: single nucleotide variant.
Coding change: c.415C>T on transcript NM_003560.4 (MANE Select); coding-DNA position 415, C replaced by T.
Protein change: p.Arg139Cys; replaces arginine 139 with cysteine.
Molecular consequence: missense variant. On other transcripts: 5 prime UTR variant (3).
Genome position (GRCh38, 1-based): chr22:38,145,448, G>A on the plus strand (C>T on the coding strand, the complement: PLA2G6 is on the minus strand). VCF-style: chr22-38145448-G-A. GRCh37 (hg19) VCF-style: chr22-38541455-G-A.
Other names: p.Arg139Cys; c.415C>T, p.Arg139Cys (NM_001004426.3, NM_001199562.3, NM_001349864.2 and 2 more transcripts); c.-120C>T (NM_001349867.2, NM_001349869.2); c.-76C>T (NM_001349868.2); short protein forms R139C.
Identifiers: ClinVar variation 1473746 (VCV001473746.6), dbSNP rs369811878, ClinGen allele CA10231277.

ClinVar aggregate classification (germline): Uncertain significance. Review status: criteria provided, multiple submitters, no conflicts (2 of 4 stars). 2 submissions from 2 submitters: Uncertain significance (2). Last evaluated 2025-05-21.

Conditions:
Infantile neuroaxonal dystrophy (NBIA2A). Also called: NEURODEGENERATION WITH BRAIN IRON ACCUMULATION 2A; SEITELBERGER DISEASE; Infantile neuroaxonal dystrophy 1. Identifiers: Orphanet 35069, MedGen C0270724, MONDO:0024457, OMIM 256600.

Allele frequency attached by ClinVar (database versions not stated): ESP Exome Variant Server 0.00008; gnomAD exomes 0.00002; gnomAD 0.00001; TOPMed 0.00001.

Submissions (2):

Mayo Clinic Laboratories, Mayo Clinic
Classification: Uncertain significance. Last evaluated: 2025-05-21. Review status: criteria provided, single submitter. Criteria: ACMG Guidelines, 2015. Collection method: clinical testing. Allele origin: germline. Observed: 1 variant allele.
Comment: BP4, PM2_supporting

Labcorp Genetics (formerly Invitae), Labcorp
Classification: Uncertain significance for Infantile neuroaxonal dystrophy. Last evaluated: 2021-08-14. Review status: criteria provided, single submitter. Criteria: Invitae Variant Classification Sherloc (09022015). Collection method: clinical testing. Allele origin: germline.
Comment: This sequence change replaces arginine with cysteine at codon 139 of the PLA2G6 protein (p.Arg139Cys). The arginine residue is moderately conserved and there is a large physicochemical difference between arginine and cysteine. The frequency data for this variant in the population databases is considered unreliable, as metrics indicate poor data quality at this position in the ExAC database. This variant has not been reported in the literature in individuals affected with PLA2G6-related conditions. Algorithms developed to predict the effect of missense changes on protein structure and function (SIFT, PolyPhen-2, Align-GVGD) all suggest that this variant is likely to be tolerated. In summary, the available evidence is currently insufficient to determine the role of this variant in disease. Therefore, it has been classified as a Variant of Uncertain Significance.

Literature cited by the submitters: PubMed 32707456 (cited by Mayo Clinic Laboratories, Mayo Clinic).